The following is an entry in ClinVar:

NM_000548.5(TSC2):c.1362-15G>T

Gene: TSC2 (TSC complex subunit 2; plus strand). Cytogenetic location: 16p13.3.
Variant type: single nucleotide variant.
Coding change: c.1362-15G>T on transcript NM_000548.5 (MANE Select); 15 bases into the intron before coding-DNA position 1362, G replaced by T.
Molecular consequence: intron variant.
Genome position (GRCh38, 1-based): chr16:2,062,957, G>T. VCF-style: chr16-2062957-G-T. GRCh37 (hg19) VCF-style: chr16-2112958-G-T.
Other names: c.1362-15G>T (NM_001114382.3, NM_021055.3, NM_001370405.1 and 3 more transcripts); c.1251-15G>T (NM_001318827.2); c.762-15G>T (NM_001318831.2); c.1215-15G>T (NM_001318829.2); c.1395-15G>T (NM_001318832.2).
Identifiers: ClinVar variation 2166735 (VCV002166735.5), dbSNP rs1360683344, ClinGen allele CA2201989067.

ClinVar aggregate classification (germline): Likely benign. Review status: criteria provided, multiple submitters, no conflicts (2 of 4 stars). 2 submissions from 2 submitters: Likely benign (2). Last evaluated 2026-09-29.

Conditions:
Tuberous sclerosis 2 (TSC2). Identifiers: Orphanet 805, MedGen C1860707, MONDO:0013199, OMIM 613254.

Submissions (2):

Myriad Genetics, Inc.
Classification: Likely benign for Tuberous sclerosis 2. Last evaluated: 2026-09-29. Review status: criteria provided, single submitter. Criteria: Myriad Autosomal Dominant, Autosomal Recessive and X-Linked Classification Criteria (2023). Collection method: clinical testing. Allele origin: unknown.
Comment: This variant is considered likely benign. This variant is intronic and is not expected to impact mRNA splicing.

Labcorp Genetics (formerly Invitae), Labcorp
Classification: Likely benign for Tuberous sclerosis 2. Last evaluated: 2022-09-02. Review status: criteria provided, single submitter. Criteria: Invitae Variant Classification Sherloc (09022015). Collection method: clinical testing. Allele origin: germline.